The following is an entry in ClinVar:

NM_152515.5(CKAP2L):c.270G>C (p.Lys90Asn)

Gene: CKAP2L (cytoskeleton associated protein 2 like; minus strand). Cytogenetic location: 2q14.1.
Variant type: single nucleotide variant.
Coding change: c.270G>C on transcript NM_152515.5 (MANE Select); coding-DNA position 270, G replaced by C.
Protein change: p.Lys90Asn; replaces lysine 90 with asparagine.
Molecular consequence: missense variant. On other transcripts: 5 prime UTR variant (1), non-coding transcript variant (1).
Genome position (GRCh38, 1-based): chr2:112,757,101, C>G on the plus strand (G>C on the coding strand, the complement: CKAP2L is on the minus strand). VCF-style: chr2-112757101-C-G. GRCh37 (hg19) VCF-style: chr2-113514678-C-G.
Other names: c.-226G>C (NM_001304361.2); short protein forms K90N.
Identifiers: ClinVar variation 1513227 (VCV001513227.8), dbSNP rs2104885442, ClinGen allele CA348298783.

ClinVar aggregate classification (germline): Uncertain significance (1 of 4 stars; one submission).

Submission:

Labcorp Genetics (formerly Invitae), Labcorp
Classification: Uncertain significance. Last evaluated: 2021-04-06. Review status: criteria provided, single submitter. Criteria: Invitae Variant Classification Sherloc (09022015). Collection method: clinical testing. Allele origin: germline.
Comment: In summary, the available evidence is currently insufficient to determine the role of this variant in disease. Therefore, it has been classified as a Variant of Uncertain Significance. Algorithms developed to predict the effect of missense changes on protein structure and function (SIFT, PolyPhen-2, Align-GVGD) all suggest that this variant is likely to be tolerated, but these predictions have not been confirmed by published functional studies and their clinical significance is uncertain. This variant has not been reported in the literature in individuals with CKAP2L-related conditions. This variant is not present in population databases (ExAC no frequency). This sequence change replaces lysine with asparagine at codon 90 of the CKAP2L protein (p.Lys90Asn). The lysine residue is moderately conserved and there is a moderate physicochemical difference between lysine and asparagine.